The following is an entry in ClinVar:

NM_000215.4(JAK3):c.2096C>T (p.Ala699Val)

Gene: JAK3 (Janus kinase 3; minus strand). Cytogenetic location: 19p13.11.
Variant type: single nucleotide variant.
Coding change: c.2096C>T on transcript NM_000215.4 (MANE Select); coding-DNA position 2096, C replaced by T.
Protein change: p.Ala699Val; replaces alanine 699 with valine.
Molecular consequence: missense variant.
Genome position (GRCh38, 1-based): chr19:17,834,955, G>A on the plus strand (C>T on the coding strand, the complement: JAK3 is on the minus strand). VCF-style: chr19-17834955-G-A. GRCh37 (hg19) VCF-style: chr19-17945764-G-A.
Other names: short protein forms A699V.
Identifiers: ClinVar variation 1910226 (VCV001910226.2), dbSNP rs201784993, ClinGen allele CA9301681.

ClinVar aggregate classification (germline): Uncertain significance (1 of 4 stars; one submission).

Conditions:
T-B+ severe combined immunodeficiency due to JAK3 deficiency. Also called: SCID, autosomal recessive, T-negative/B-positive type; SCID, T CELL-NEGATIVE, B CELL-POSITIVE, NK CELL-NEGATIVE. Identifiers: Orphanet 35078, MedGen C1833275, MONDO:0010938, OMIM 600802.

Allele frequency attached by ClinVar (database versions not stated): TOPMed below 0.00001; gnomAD 0.00001; gnomAD exomes 0.00001; ExAC 0.00002.
gnomAD v4.1: 15 of 1,614,158 alleles (0.00093%); highest among the groups gnomAD compares: South Asian, 0.0066%; 1 homozygote.

Submission:

Labcorp Genetics (formerly Invitae), Labcorp
Classification: Uncertain significance for T-B+ severe combined immunodeficiency due to JAK3 deficiency. Last evaluated: 2022-07-01. Review status: criteria provided, single submitter. Criteria: Invitae Variant Classification Sherloc (09022015). Collection method: clinical testing. Allele origin: germline.
Comment: This sequence change replaces alanine, which is neutral and non-polar, with valine, which is neutral and non-polar, at codon 699 of the JAK3 protein (p.Ala699Val). This variant is present in population databases (rs201784993, gnomAD 0.004%). This variant has not been reported in the literature in individuals affected with JAK3-related conditions. Advanced modeling of protein sequence and biophysical properties (such as structural, functional, and spatial information, amino acid conservation, physicochemical variation, residue mobility, and thermodynamic stability) performed at Invitae indicates that this missense variant is not expected to disrupt JAK3 protein function. In summary, the available evidence is currently insufficient to determine the role of this variant in disease. Therefore, it has been classified as a Variant of Uncertain Significance.